The following is an entry in ClinVar:

ClinVar aggregate classification (germline): Uncertain significance (1 of 4 stars; one submission).

Conditions:
Inborn genetic diseases. Identifiers: MedGen C0950123, MeSH D030342.

Submission:

Ambry Genetics
Classification: Uncertain significance for Inborn genetic diseases. Last evaluated: 2017-06-28. Review status: criteria provided, single submitter. Criteria: Ambry Variant Classification Scheme 2023. Collection method: clinical testing. Allele origin: germline.
Comment: The p.D284N variant (also known as c.850G>A), located in coding exon 6 of the SCN2A gene, results from a G to A substitution at nucleotide position 850. The aspartic acid at codon 284 is replaced by asparagine, an amino acid with highly similar properties. This amino acid position is well conserved in available vertebrate species. In addition, the in silico prediction for this alteration is inconclusive. Since supporting evidence is limited at this time, the clinical significance of this alteration remains unclear.

NM_001040142.2(SCN2A):c.850G>A (p.Asp284Asn)

Gene: SCN2A (sodium voltage-gated channel alpha subunit 2; plus strand). Cytogenetic location: 2q24.3.
Variant type: single nucleotide variant.
Coding change: c.850G>A on transcript NM_001040142.2 (MANE Select); coding-DNA position 850, G replaced by A.
Protein change: p.Asp284Asn; replaces aspartic acid 284 with asparagine.
Molecular consequence: missense variant.
Genome position (GRCh38, 1-based): chr2:165,310,475, G>A. VCF-style: chr2-165310475-G-A. GRCh37 (hg19) VCF-style: chr2-166166985-G-A.
Other names: c.850G>A, p.Asp284Asn (NM_001040143.2, NM_001371246.1, NM_001371247.1 and 1 more transcripts); short protein forms D284N.
Identifiers: ClinVar variation 1763679 (VCV001763679.2), dbSNP rs772774164, ClinGen allele CA349018353.